The following is an entry in ClinVar:

ClinVar aggregate classification (germline): Benign/Likely benign. Review status: criteria provided, multiple submitters, no conflicts (2 of 4 stars). 7 submissions from 6 submitters: Benign (3); Likely benign (4). Last evaluated 2026-06-01.

Conditions:
Cerebral cavernous malformation (CCM). Also called: CAVERNOUS ANGIOMA, FAMILIAL; CAVERNOUS ANGIOMATOUS MALFORMATIONS; CEREBRAL CAPILLARY MALFORMATIONS; Cerebral cavernous hemangioma (type); Cerebral cavernous malformations; Cavernous Hemangioma of Brain. Identifiers: Orphanet 221061, MedGen C2919945, MONDO:0000820, OMIM 116860, HP:0033522.
Angiokeratoma corporis diffusum with arteriovenous fistulas. Identifiers: MedGen C1838141, MONDO:0010885, OMIM 600419.

Allele frequency attached by ClinVar (database versions not stated): 1000 Genomes Project 30x 0.00047; 1000 Genomes Project 0.00060; TOPMed 0.00090; gnomAD 0.00093; gnomAD exomes 0.00108; ExAC 0.00135; ESP Exome Variant Server 0.00138.
gnomAD v4.1: 2,700 of 1,602,254 alleles (0.17%); highest among the groups gnomAD compares: Non-Finnish European, 0.21%; 5 homozygotes.

Submissions (7):

CeGaT Center for Human Genetics Tuebingen
Classification: Likely benign. Last evaluated: 2026-06-01. Review status: criteria provided, single submitter. Criteria: CeGaT Center For Human Genetics Tuebingen Variant Classification Criteria Version 2. Collection method: clinical testing. Allele origin: germline. Affected: yes. Observed: 1 variant allele.
Comment: KRIT1: BP4, BS1

Labcorp Genetics (formerly Invitae), Labcorp
Classification: Benign for Cerebral cavernous malformation. Last evaluated: 2025-12-26. Review status: criteria provided, single submitter. Criteria: Invitae Variant Classification Sherloc (09022015). Collection method: clinical testing. Allele origin: germline.

Blueprint Genetics
Classification: Likely benign. Last evaluated: 2024-10-17. Review status: criteria provided, single submitter. Criteria: ACMG Guidelines, 2015. Collection method: clinical testing. Allele origin: germline.

Mayo Clinic Laboratories, Mayo Clinic
Classification: Benign. Last evaluated: 2023-09-22. Review status: criteria provided, single submitter. Criteria: ACMG Guidelines, 2015. Collection method: clinical testing. Allele origin: germline. Observed: 6 variant alleles.
Comment: BS1, BS2, BP4, BP7

Illumina Laboratory Services, Illumina
Classification: Benign for Angiokeratoma corporis diffusum with arteriovenous fistulas. Last evaluated: 2018-01-12. Review status: criteria provided, single submitter. Criteria: ICSL Variant Classification Criteria 13 December 2019. Collection method: clinical testing. Allele origin: germline.
Comment: This variant was observed in the ICSL laboratory as part of a predisposition screen in an ostensibly healthy population. It had not been previously curated by ICSL or reported in the Human Gene Mutation Database (HGMD: prior to June 1st, 2018), and was therefore a candidate for classification through an automated scoring system. Utilizing variant allele frequency, disease prevalence and penetrance estimates, and inheritance mode, an automated score was calculated to assess if this variant is too frequent to cause the disease. Based on the score and internal cut-off values, a variant classified as benign is not then subjected to further curation. The score for this variant resulted in a classification of benign for this disease.

Illumina Laboratory Services, Illumina
Classification: Likely benign for Cerebral cavernous malformation. Last evaluated: 2018-01-12. Review status: criteria provided, single submitter. Criteria: ICSL Variant Classification Criteria 13 December 2019. Collection method: clinical testing. Allele origin: germline.
Comment: This variant was observed in the ICSL laboratory as part of a predisposition screen in an ostensibly healthy population. It had not been previously curated by ICSL or reported in the Human Gene Mutation Database (HGMD: prior to June 1st, 2018), and was therefore a candidate for classification through an automated scoring system. Utilizing variant allele frequency, disease prevalence and penetrance estimates, and inheritance mode, an automated score was calculated to assess if this variant is too frequent to cause the disease. Based on the score and internal cut-off values, a variant classified as likely benign is not then subjected to further curation. The score for this variant resulted in a classification of likely benign for this disease.

Breakthrough Genomics
Classification: Likely benign. Review status: criteria provided, single submitter. Criteria: ACMG Guidelines, 2015. Collection method: not provided. Allele origin: germline. Inheritance: Autosomal dominant inheritance. Affected: yes.

NM_194454.3(KRIT1):c.1146+8A>T

Gene: KRIT1 (KRIT1 ankyrin repeat containing; minus strand). Cytogenetic location: 7q21.2.
Variant type: single nucleotide variant.
Coding change: c.1146+8A>T on transcript NM_194454.3 (MANE Select); 8 bases into the intron after coding-DNA position 1146, A replaced by T.
Molecular consequence: intron variant.
Genome position (GRCh38, 1-based): chr7:92,226,518, T>A on the plus strand (A>T on the coding strand, the complement: KRIT1 is on the minus strand). VCF-style: chr7-92226518-T-A. GRCh37 (hg19) VCF-style: chr7-91855832-T-A.
Other names: p.?; c.1146+8A>T (NM_001350672.1, NM_001350676.1, NM_001350673.1 and 26 more transcripts); c.1002+8A>T (NM_001350669.1, NM_001013406.2, NM_001350670.1); c.432+8A>T (NM_001350671.1).
Identifiers: ClinVar variation 360885 (VCV000360885.19), dbSNP rs182762651, ClinGen allele CA4339205.